The following is an entry in ClinVar:

NM_000051.4(ATM):c.6082del (p.Gln2028fs)

Genes: ATM (ATM serine/threonine kinase; plus strand), C11orf65 (chromosome 11 open reading frame 65; minus strand). Cytogenetic location: 11q22.3.
Variant type: Deletion.
Coding change: c.6082del on transcript NM_000051.4 (MANE Select); coding-DNA position 6082, one base deleted (C; older notation c.6082delC).
Protein change: p.Gln2028fs; shifts the reading frame from glutamine 2028.
Molecular consequence: frameshift variant. On other transcripts: intron variant (2).
Genome position (GRCh38, 1-based): chr11:108,315,898, C deleted. VCF-style (leftmost placement, unchanged base first): chr11-108315897-AC-A. GRCh37 (hg19) VCF-style: chr11-108186624-AC-A.
Other names: p.Gln2028AsnfsTer19; c.6082delC, p.Gln2028Asnfs (NM_000051.3); c.6082del, p.Gln2028fs (NM_001351834.2); c.641-6827del (NM_001330368.2); c.*39-6827del (NM_001351110.2); short protein forms Q2028fs.
Identifiers: ClinVar variation 617781 (VCV000617781.31), dbSNP rs1565499093, ClinGen allele CA913189711.
Genomic context (GRCh38, chr11:108,315,897, plus strand): 5'-AATCTACAGAAGTATAGGGGAGCCAGATAGTTTGTATGGCTGTGGTGGAGGGAAGATGTT[AC>A]AACCCATTACTAGGTAAATTGCATTTTTCTAAACAACGGTATAGTAATTCTGTTTATGAA-3'

ClinVar aggregate classification (germline): Pathogenic/Likely pathogenic. Review status: criteria provided, multiple submitters, no conflicts (2 of 4 stars). 6 submissions from 6 submitters: Pathogenic (3); Likely pathogenic (2). 1 of the submissions does not count toward it. Last evaluated 2023-12-30.

Conditions:
Hereditary cancer-predisposing syndrome. Also called: Hereditary Cancer Syndrome; Neoplastic Syndromes, Hereditary; Tumor predisposition; Hereditary neoplastic syndrome. Identifiers: Orphanet 140162, MedGen C0027672, MeSH D009386, MONDO:0015356.
Familial cancer of breast. Also called: BREAST CANCER, FAMILIAL; Hereditary breast cancer; hereditary breast carcinoma. Identifiers: Orphanet 227535, MedGen C0346153, MONDO:0016419, OMIM 114480. Disease mechanism: loss of function.
Ataxia-telangiectasia syndrome (AT). Also called: Cerebello-oculocutaneous telangiectasia; Immunodeficiency with ataxia telangiectasia; Ataxia-telangiectasia, complementation group E; Ataxia-telangiectasia, complementation group D; AT, COMPLEMENTATION GROUP C; ATAXIA-TELANGIECTASIA, COMPLEMENTATION GROUP A. Identifiers: Orphanet 100, MedGen C0004135, MONDO:0008840, OMIM 208900.

Submissions (6):

Foundation for Research in Genetics and Endocrinology, FRIGE's Institute of Human Genetics
Classification: Likely pathogenic for Ataxia-telangiectasia syndrome. Last evaluated: 2023-12-30. Review status: criteria provided, single submitter. Criteria: ACMG Guidelines, 2015. Collection method: clinical testing. Allele origin: germline. Inheritance: Autosomal recessive inheritance. Affected: yes. Observed: 1 homozygote.
Comment: A homozygous single base pair deletion in exon 41 of the ATM gene that results in a frameshift and premature truncation of the protein 19 amino acids downstream to codon 2028 (p.Gln2028AsnfsTer19) was detected. This variant has not been reported in the 1000 genomes, gnomAD (v3.1), gnomdAD (v2.1) and topmed databases. The reference region is conserved across species. In summary, the variant meets our criteria to be classified as likely pathogenic.

Centre for Mendelian Genomics, University Medical Centre Ljubljana
Classification: Pathogenic for Familial cancer of breast. Last evaluated: 2022-12-09. Review status: criteria provided, single submitter. Criteria: ACMG Guidelines, 2015. Collection method: research. Allele origin: germline. Affected: no.
Comment: PVS1, PM2_SUP, PM3_SUP

Labcorp Genetics (formerly Invitae), Labcorp
Classification: Pathogenic for Ataxia-telangiectasia syndrome. Last evaluated: 2022-10-31. Review status: criteria provided, single submitter. Criteria: Invitae Variant Classification Sherloc (09022015). Collection method: clinical testing. Allele origin: germline.
Comment: This sequence change creates a premature translational stop signal (p.Gln2028Asnfs*19) in the ATM gene. It is expected to result in an absent or disrupted protein product. Loss-of-function variants in ATM are known to be pathogenic (PMID: 23807571, 25614872). This variant is not present in population databases (gnomAD no frequency). This variant has not been reported in the literature in individuals affected with ATM-related conditions. ClinVar contains an entry for this variant (Variation ID: 617781). For these reasons, this variant has been classified as Pathogenic.

Ambry Genetics
Classification: Pathogenic for Hereditary cancer-predisposing syndrome. Last evaluated: 2021-12-27. Review status: criteria provided, single submitter. Criteria: Ambry Variant Classification Scheme 2023. Collection method: clinical testing. Allele origin: germline.
Comment: The c.6082delC pathogenic mutation, located in coding exon 40 of the ATM gene, results from a deletion of one nucleotide at nucleotide position 6082, causing a translational frameshift with a predicted alternate stop codon (p.Q2028Nfs*19). This variant is considered to be rare based on population cohorts in the Genome Aggregation Database (gnomAD). This alteration is expected to result in loss of function by premature protein truncation or nonsense-mediated mRNA decay. As such, this alteration is interpreted as a disease-causing mutation.

Department of Molecular Diagnostics, Institute of Oncology Ljubljana
Classification: Likely pathogenic for Hereditary cancer-predisposing syndrome. Last evaluated: 2018-10-24. Review status: criteria provided, single submitter. Criteria: ACMG Guidelines, 2015. Collection method: clinical testing. Allele origin: germline. Affected: yes.

BRCAlab, Lund University
Classification: Pathogenic for Familial cancer of breast. Last evaluated: 2022-08-26. Review status: no assertion criteria provided. Collection method: clinical testing. Allele origin: germline. Affected: yes. Not counted in ClinVar's aggregate classification.

Literature cited by the submitters: PubMed 23807571 (cited by Labcorp Genetics (formerly Invitae), Labcorp); PubMed 25614872 (cited by Labcorp Genetics (formerly Invitae), Labcorp).